The following is an entry in ClinVar:

NM_031935.3(HMCN1):c.11080G>T (p.Ala3694Ser)

Gene: HMCN1 (hemicentin 1; plus strand). Cytogenetic location: 1q31.1.
Variant type: single nucleotide variant.
Coding change: c.11080G>T on transcript NM_031935.3 (MANE Select); coding-DNA position 11080, G replaced by T.
Protein change: p.Ala3694Ser; replaces alanine 3694 with serine.
Molecular consequence: missense variant.
Genome position (GRCh38, 1-based): chr1:186,112,902, G>T. VCF-style: chr1-186112902-G-T. GRCh37 (hg19) VCF-style: chr1-186082034-G-T.
Other names: short protein forms A3694S.
Identifiers: ClinVar variation 1717717 (VCV001717717.5), dbSNP rs971837941, ClinGen allele CA33503276.

ClinVar aggregate classification (germline): Uncertain significance (1 of 4 stars; one submission).

Allele frequency attached by ClinVar (database versions not stated): gnomAD exomes below 0.00001; gnomAD 0.00001.
gnomAD v4.1: 3 of 1,613,896 alleles (0.00019%); highest among the groups gnomAD compares: Admixed American, 0.005%; no homozygotes.

Submission:

Labcorp Genetics (formerly Invitae), Labcorp
Classification: Uncertain significance. Last evaluated: 2023-08-10. Review status: criteria provided, single submitter. Criteria: Invitae Variant Classification Sherloc (09022015). Collection method: clinical testing. Allele origin: germline.
Comment: This sequence change replaces alanine, which is neutral and non-polar, with serine, which is neutral and polar, at codon 3694 of the HMCN1 protein (p.Ala3694Ser). This variant is not present in population databases (gnomAD no frequency). This variant has not been reported in the literature in individuals affected with HMCN1-related conditions. ClinVar contains an entry for this variant (Variation ID: 1717717). An algorithm developed to predict the effect of missense changes on protein structure and function (PolyPhen-2) suggests that this variant is likely to be tolerated. In summary, the available evidence is currently insufficient to determine the role of this variant in disease. Therefore, it has been classified as a Variant of Uncertain Significance.